The following is an entry in ClinVar:

NM_000059.4(BRCA2):c.5742C>G (p.Ser1914Arg)

Gene: BRCA2 (BRCA2 DNA repair associated; plus strand). Cytogenetic location: 13q13.1.
Variant type: single nucleotide variant.
Coding change: c.5742C>G on transcript NM_000059.4 (MANE Select); coding-DNA position 5742, C replaced by G.
Protein change: p.Ser1914Arg; replaces serine 1914 with arginine.
Molecular consequence: missense variant. On other transcripts: non-coding transcript variant (1), intron variant (2).
Genome position (GRCh38, 1-based): chr13:32,340,097, C>G. VCF-style: chr13-32340097-C-G. GRCh37 (hg19) VCF-style: chr13-32914234-C-G.
Other names: c.5742C>G, p.Ser1914Arg (NM_001406719.1, NM_001406720.1, NM_001432077.1); c.1910-4461C>G (NM_001406721.1); c.425-4461C>G (NM_001406722.1); short protein forms S1914R.
Identifiers: ClinVar variation 3992846 (VCV003992846.1).

ClinVar aggregate classification (germline): Uncertain significance (1 of 4 stars; one submission).

Conditions:
Hereditary cancer-predisposing syndrome. Also called: Tumor predisposition; Hereditary neoplastic syndrome; Neoplastic Syndromes, Hereditary; Hereditary Cancer Syndrome. Identifiers: Orphanet 140162, MedGen C0027672, MeSH D009386, MONDO:0015356.

Submission:

Ambry Genetics
Classification: Uncertain significance for Hereditary cancer-predisposing syndrome. Last evaluated: 2025-05-18. Review status: criteria provided, single submitter. Criteria: Ambry Variant Classification Scheme 2023. Collection method: clinical testing. Allele origin: germline.
Comment: The p.S1914R variant (also known as c.5742C>G), located in coding exon 10 of the BRCA2 gene, results from a C to G substitution at nucleotide position 5742. The serine at codon 1914 is replaced by arginine, an amino acid with dissimilar properties. This amino acid position is conserved. In addition, this alteration is predicted to be tolerated by in silico analysis. Based on the available evidence, the clinical significance of this variant remains unclear.